The following is an entry in ClinVar:

ClinVar aggregate classification (germline): Likely benign (0 of 4 stars; one submission).

Conditions:
GNAS-related disorder. Identifiers: MedGen CN380105.

gnomAD v4.1: 11 of 1,540,990 alleles (0.00071%); highest among the groups gnomAD compares: East Asian, 0.0025%; no homozygotes.

Submission:

PreventionGenetics, part of Exact Sciences
Classification: Likely benign for GNAS-related condition. Last evaluated: 2024-08-20. Review status: no assertion criteria provided. Collection method: clinical testing. Allele origin: germline.
Comment: This variant is classified as likely benign based on ACMG/AMP sequence variant interpretation guidelines (Richards et al. 2015 PMID: 25741868, with internal and published modifications).

NM_080425.4(GNAS):c.-5G>A

Gene: GNAS (GNAS complex locus; plus strand). Cytogenetic location: 20q13.32.
Variant type: single nucleotide variant.
Coding change: c.-5G>A on transcript NM_080425.4 (MANE Plus Clinical); 5 bases upstream of the start codon, G replaced by A.
Molecular consequence: 5 prime UTR variant. On other transcripts: intron variant (3).
Genome position (GRCh38, 1-based): chr20:58,853,261, G>A. VCF-style: chr20-58853261-G-A. GRCh37 (hg19) VCF-style: chr20-57428316-G-A.
Other names: c.-192G>A (NM_001077490.3, NM_001309883.1); c.-5G>A (NM_001410913.1); c.*42+12375G>A (NM_016592.5); c.43+12375G>A (NM_001410912.1); c.-39+11386G>A (NM_001309861.2).
Identifiers: ClinVar variation 3350657 (VCV003350657.1).